The following is an entry in ClinVar:

NM_001080517.3(SETD5):c.2234C>T (p.Ser745Phe)

Gene: SETD5 (SET domain containing 5; plus strand). Cytogenetic location: 3p25.3.
Variant type: single nucleotide variant.
Coding change: c.2234C>T on transcript NM_001080517.3 (MANE Select); coding-DNA position 2234, C replaced by T.
Protein change: p.Ser745Phe; replaces serine 745 with phenylalanine.
Molecular consequence: missense variant.
Genome position (GRCh38, 1-based): chr3:9,448,518, C>T. VCF-style: chr3-9448518-C-T. GRCh37 (hg19) VCF-style: chr3-9490202-C-T.
Other names: c.2234C>T (NM_001080517.1); c.1940C>T, p.Ser647Phe (NM_001292043.2, NM_001349451.2); short protein forms S647F, S745F.
Identifiers: ClinVar variation 1718077 (VCV001718077.8), dbSNP rs2042268841, ClinGen allele CA351701377.

ClinVar aggregate classification (germline): Uncertain significance. Review status: criteria provided, multiple submitters, no conflicts (2 of 4 stars). 2 submissions from 2 submitters: Uncertain significance (2). Last evaluated 2026-08-14.

Submissions (2):

GeneDx
Classification: Uncertain significance. Last evaluated: 2026-08-14. Review status: criteria provided, single submitter. Criteria: GeneDx Variant Classification Process June 2021. Collection method: clinical testing. Allele origin: germline.
Comment: Not observed at significant frequency in large population cohorts (gnomAD); In silico analysis supports that this missense variant has a deleterious effect on protein structure/function; Has not been previously published as pathogenic or benign to our knowledge

Labcorp Genetics (formerly Invitae), Labcorp
Classification: Uncertain significance. Last evaluated: 2023-08-17. Review status: criteria provided, single submitter. Criteria: Invitae Variant Classification Sherloc (09022015). Collection method: clinical testing. Allele origin: germline.
Comment: This sequence change replaces serine, which is neutral and polar, with phenylalanine, which is neutral and non-polar, at codon 745 of the SETD5 protein (p.Ser745Phe). This variant is not present in population databases (gnomAD no frequency). This variant has not been reported in the literature in individuals affected with SETD5-related conditions. ClinVar contains an entry for this variant (Variation ID: 1718077). Advanced modeling of protein sequence and biophysical properties (such as structural, functional, and spatial information, amino acid conservation, physicochemical variation, residue mobility, and thermodynamic stability) performed at Invitae indicates that this missense variant is expected to disrupt SETD5 protein function. In summary, the available evidence is currently insufficient to determine the role of this variant in disease. Therefore, it has been classified as a Variant of Uncertain Significance.